The following is an entry in ClinVar:

NM_001256012.3(MYH10):c.1559A>G (p.Asp520Gly)

Gene: MYH10 (myosin heavy chain 10; minus strand). Cytogenetic location: 17p13.1.
Variant type: single nucleotide variant.
Coding change: c.1559A>G on transcript NM_001256012.3 (MANE Select); coding-DNA position 1559, A replaced by G.
Protein change: p.Asp520Gly; replaces aspartic acid 520 with glycine.
Molecular consequence: missense variant.
Genome position (GRCh38, 1-based): chr17:8,542,153, T>C on the plus strand (A>G on the coding strand, the complement: MYH10 is on the minus strand). VCF-style: chr17-8542153-T-C. GRCh37 (hg19) VCF-style: chr17-8445471-T-C.
Other names: c.1556A>G, p.Asp519Gly (NM_001256095.2); c.1559A>G, p.Asp520Gly (NM_001375266.1); c.1529A>G, p.Asp510Gly (NM_005964.5); short protein forms D510G, D519G, D520G.
Identifiers: ClinVar variation 4528049 (VCV004528049.1).
Genomic context (GRCh38, chr17:8,542,153, plus strand): 5'-GTGAGCACTCTTACAGGTCTCTCTATTAGGTCGATGCATGGCTGCAGATCCAGCCCGAAA[T>C]CGATGAAGTTCCACTCGATGCCTTCGCGCTGGTATTCCTCTTGTTCTAGGATAAACATGG-3'
Protein context (NP_001242941.1, residues 510-530): QREGIEWNFI[Asp520Gly]FGLDLQPCID

ClinVar aggregate classification (germline): Uncertain significance (1 of 4 stars; one submission).

Submission:

GeneDx
Classification: Uncertain significance. Last evaluated: 2025-05-03. Review status: criteria provided, single submitter. Criteria: GeneDx Variant Classification Process June 2021. Collection method: clinical testing. Allele origin: germline. Affected: yes.
Comment: Not observed at significant frequency in large population cohorts (gnomAD); In silico analysis supports that this missense variant has a deleterious effect on protein structure/function; Has not been previously published as pathogenic or benign to our knowledge